The following is an entry in ClinVar:

ClinVar aggregate classification (germline): Uncertain significance. Review status: criteria provided, multiple submitters, no conflicts (2 of 4 stars). 2 submissions from 2 submitters: Uncertain significance (2). Last evaluated 2023-03-21.

Conditions:
MED12-Related Disorders. Also called: MED12-related condition; MED12-related disorder. Identifiers: MedGen CN381102.
FG syndrome (FGS). Identifiers: MedGen C0220769, MONDO:0002010.

Submissions (2):

PreventionGenetics, part of Exact Sciences
Classification: Uncertain significance for MED12-related condition. Last evaluated: 2023-03-21. Review status: criteria provided, single submitter. Criteria: ACMG Guidelines, 2015. Collection method: clinical testing. Allele origin: germline.
Comment: The MED12 c.2894C>T variant is predicted to result in the amino acid substitution p.Ser965Phe. To our knowledge, this variant has not been reported in the literature or in a large population database, indicating this variant is rare. At this time, the clinical significance of this variant is uncertain due to the absence of conclusive functional and genetic evidence.

Labcorp Genetics (formerly Invitae), Labcorp
Classification: Uncertain significance for FG syndrome. Last evaluated: 2022-07-24. Review status: criteria provided, single submitter. Criteria: Invitae Variant Classification Sherloc (09022015). Collection method: clinical testing. Allele origin: germline.
Comment: In summary, the available evidence is currently insufficient to determine the role of this variant in disease. Therefore, it has been classified as a Variant of Uncertain Significance. Algorithms developed to predict the effect of missense changes on protein structure and function (SIFT, PolyPhen-2, Align-GVGD) all suggest that this variant is likely to be disruptive. ClinVar contains an entry for this variant (Variation ID: 1415635). This variant has not been reported in the literature in individuals affected with MED12-related conditions. This variant is not present in population databases (gnomAD no frequency). This sequence change replaces serine, which is neutral and polar, with phenylalanine, which is neutral and non-polar, at codon 965 of the MED12 protein (p.Ser965Phe).

NM_005120.3(MED12):c.2894C>T (p.Ser965Phe)

Gene: MED12 (mediator complex subunit 12; plus strand). Cytogenetic location: Xq13.1.
Variant type: single nucleotide variant.
Coding change: c.2894C>T on transcript NM_005120.3 (MANE Select); coding-DNA position 2894, C replaced by T.
Protein change: p.Ser965Phe; replaces serine 965 with phenylalanine.
Molecular consequence: missense variant.
Genome position (GRCh38, 1-based): chrX:71,127,380, C>T. VCF-style: chrX-71127380-C-T. GRCh37 (hg19) VCF-style: chrX-70347230-C-T.
Other names: c.2894C>T (NM_005120.2); short protein forms S965F.
Identifiers: ClinVar variation 1415635 (VCV001415635.9), dbSNP rs2147799414, ClinGen allele CA413516494.
Genomic context (GRCh38, chrX:71,127,380, plus strand): 5'-TTGCTTCTTCATGCAGGCTGTGTGGCGTCGTGAAGCATGGGATGAACCGGTCCGATGGCT[C>T]CTCTGCAGAGCGCTGTATCCTTGCTTATCTCTATGATCTGTACACCTCCTGTAGCCATTT-3'
Protein context (NP_005111.2, residues 955-975): VKHGMNRSDG[Ser965Phe]SAERCILAYL